The following is an entry in ClinVar:

ClinVar aggregate classification (germline): Likely pathogenic (1 of 4 stars; one submission).

Conditions:
Hereditary cancer-predisposing syndrome. Also called: Hereditary Cancer Syndrome; Hereditary neoplastic syndrome; Neoplastic Syndromes, Hereditary; Tumor predisposition. Identifiers: Orphanet 140162, MedGen C0027672, MeSH D009386, MONDO:0015356.

Submission:

Ambry Genetics
Classification: Likely pathogenic for Hereditary cancer-predisposing syndrome. Last evaluated: 2019-12-17. Review status: criteria provided, single submitter. Criteria: Ambry Variant Classification Scheme 2023. Collection method: clinical testing. Allele origin: germline.
Comment: The c.4435_4436+10del12 variant, which spans coding exon 28 to intron 28 of the ATM gene, results from a deletion of 12 nucleotides at positions c.4435 to c.4436+10. This nucleotide region is well conserved in available vertebrate species. Using the BDGP and ESEfinder splice site prediction tools, this alteration is predicted to abolish the native donor splice site; however, direct evidence is unavailable. Alterations that disrupt the canonical splice site are expected to cause aberrant splicing, resulting in an abnormal protein or a transcript that is subject to nonsense-mediated mRNA decay. As such, this alteration is classified as likely pathogenic.

NM_000051.4(ATM):c.4435_4436+10del

Gene: ATM (ATM serine/threonine kinase; plus strand). Cytogenetic location: 11q22.3.
Variant type: Deletion.
Coding change: c.4435_4436+10del on transcript NM_000051.4 (MANE Select); coding-DNA position 4435 through 10 bases into the intron after coding-DNA position 4436, 12 bases deleted (AGGTAAATAACA).
Molecular consequence: splice donor variant.
Genome position (GRCh38, 1-based): chr11:108,289,800-108,289,811, AGGTAAATAACA deleted; deleting any 12 consecutive bases within chr11:108,289,799-108,289,811 gives the same sequence; the c. name uses the placement nearest the transcript's 3' end. VCF-style (leftmost placement, unchanged base first): chr11-108289798-AAAGGTAAATAAC-A. GRCh37 (hg19) VCF-style: chr11-108160525-AAAGGTAAATAAC-A.
Other names: c.4435_4436+10del (NM_001351834.2).
Identifiers: ClinVar variation 1740580 (VCV001740580.2), dbSNP rs2546910992, ClinGen allele CA2580083240.